The following is an entry in ClinVar:

NM_002471.4(MYH6):c.5667G>C (p.Glu1889Asp)

Gene: MYH6 (myosin heavy chain 6; minus strand). Cytogenetic location: 14q11.2.
Variant type: single nucleotide variant.
Coding change: c.5667G>C on transcript NM_002471.4 (MANE Select); coding-DNA position 5667, G replaced by C.
Protein change: p.Glu1889Asp; replaces glutamic acid 1889 with aspartic acid.
Molecular consequence: missense variant.
Genome position (GRCh38, 1-based): chr14:23,382,557, C>G on the plus strand (G>C on the coding strand, the complement: MYH6 is on the minus strand). VCF-style: chr14-23382557-C-G. GRCh37 (hg19) VCF-style: chr14-23851766-C-G.
Other names: short protein forms E1889D.
Identifiers: ClinVar variation 2072661 (VCV002072661.4), dbSNP rs1415232837, ClinGen allele CA388982011.

ClinVar aggregate classification (germline): Uncertain significance (1 of 4 stars; one submission).

Conditions:
Hypertrophic cardiomyopathy 14. Identifiers: MedGen C2750467, MONDO:0013197, OMIM 613251.

Allele frequency attached by ClinVar (database versions not stated): TOPMed 0.00002.
gnomAD v4.1: 5 of 1,614,202 alleles (0.00031%); highest among the groups gnomAD compares: Admixed American, 0.0083%; no homozygotes.

Submission:

Labcorp Genetics (formerly Invitae), Labcorp
Classification: Uncertain significance for Hypertrophic cardiomyopathy 14. Last evaluated: 2022-07-20. Review status: criteria provided, single submitter. Criteria: Invitae Variant Classification Sherloc (09022015). Collection method: clinical testing. Allele origin: germline.
Comment: This sequence change replaces glutamic acid, which is acidic and polar, with aspartic acid, which is acidic and polar, at codon 1889 of the MYH6 protein (p.Glu1889Asp). In summary, the available evidence is currently insufficient to determine the role of this variant in disease. Therefore, it has been classified as a Variant of Uncertain Significance. Algorithms developed to predict the effect of missense changes on protein structure and function are either unavailable or do not agree on the potential impact of this missense change (SIFT: "Tolerated"; PolyPhen-2: "Probably Damaging"; Align-GVGD: "Class C0"). This variant has not been reported in the literature in individuals affected with MYH6-related conditions. This variant is present in population databases (no rsID available, gnomAD 0.009%).